The following is an entry in ClinVar:

NM_022765.4(MICAL1):c.1843G>A (p.Ala615Thr)

Gene: MICAL1 (microtubule associated monooxygenase, calponin and LIM domain containing 1; minus strand). Cytogenetic location: 6q21.
Variant type: single nucleotide variant.
Coding change: c.1843G>A on transcript NM_022765.4 (MANE Select); coding-DNA position 1843, G replaced by A.
Protein change: p.Ala615Thr; replaces alanine 615 with threonine.
Molecular consequence: missense variant.
Genome position (GRCh38, 1-based): chr6:109,448,215, C>T on the plus strand (G>A on the coding strand, the complement: MICAL1 is on the minus strand). VCF-style: chr6-109448215-C-T. GRCh37 (hg19) VCF-style: chr6-109769418-C-T.
Other names: c.1585G>A, p.Ala529Thr (NM_001159291.2); c.1900G>A, p.Ala634Thr (NM_001286613.2); short protein forms A529T, A615T, A634T.
Identifiers: ClinVar variation 1962469 (VCV001962469.5), dbSNP rs1294567895, ClinGen allele CA365227019.

ClinVar aggregate classification (germline): Uncertain significance (1 of 4 stars; one submission).

gnomAD v4.1: 7 of 1,612,052 alleles (0.00043%); highest among the groups gnomAD compares: Non-Finnish European, 0.00059%; no homozygotes.

Submission:

Labcorp Genetics (formerly Invitae), Labcorp
Classification: Uncertain significance. Last evaluated: 2024-10-16. Review status: criteria provided, single submitter. Criteria: Invitae Variant Classification Sherloc (09022015). Collection method: clinical testing. Allele origin: germline.
Comment: This sequence change replaces alanine, which is neutral and non-polar, with threonine, which is neutral and polar, at codon 634 of the MICAL1 protein (p.Ala634Thr). This variant is not present in population databases (gnomAD no frequency). This variant has not been reported in the literature in individuals affected with MICAL1-related conditions. ClinVar contains an entry for this variant (Variation ID: 1962469). An algorithm developed to predict the effect of missense changes on protein structure and function outputs the following: PolyPhen-2: "Benign". The threonine amino acid residue is found in multiple mammalian species, which suggests that this missense change does not adversely affect protein function. In summary, the available evidence is currently insufficient to determine the role of this variant in disease. Therefore, it has been classified as a Variant of Uncertain Significance.